The following is an entry in ClinVar:

ClinVar aggregate classification (germline): Uncertain significance (1 of 4 stars; one submission).

Submission:

Women's Health and Genetics/Laboratory Corporation of America, LabCorp
Classification: Uncertain significance. Last evaluated: 2023-01-31. Review status: criteria provided, single submitter. Criteria: LabCorp Variant Classification Summary - May 2015. Collection method: clinical testing. Allele origin: germline.
Comment: Variant summary: FN1 c.340C>G (p.Arg114Gly) results in a non-conservative amino acid change located in the Fibronectin, type I domain (IPR000083) of the encoded protein sequence. Four of five in-silico tools predict a damaging effect of the variant on protein function. The variant was absent in 251494 control chromosomes (gnomAD). The available data on variant occurrences in the general population are insufficient to allow any conclusion about variant significance. To our knowledge, no occurrence of c.340C>G in individuals affected with Spondylometaphyseal Dysplasia-Sutcliffe Type and no experimental evidence demonstrating its impact on protein function have been reported. No clinical diagnostic laboratories have submitted clinical-significance assessments for this variant to ClinVar after 2014. Based on the evidence outlined above, the variant was classified as uncertain significance.

NM_212482.4(FN1):c.340C>G (p.Arg114Gly)

Genes: FN1 (fibronectin 1; minus strand), LOC126806499 (CDK7 strongly-dependent group 2 enhancer GRCh37_chr2:216298103-216299302; plus strand). Cytogenetic location: 2q35.
Variant type: single nucleotide variant.
Coding change: c.340C>G on transcript NM_212482.4 (MANE Select); coding-DNA position 340, C replaced by G.
Protein change: p.Arg114Gly; replaces arginine 114 with glycine.
Molecular consequence: missense variant.
Genome position (GRCh38, 1-based): chr2:215,433,399, G>C on the plus strand (C>G on the coding strand, the complement: FN1 is on the minus strand). VCF-style: chr2-215433399-G-C. GRCh37 (hg19) VCF-style: chr2-216298122-G-C.
Other names: c.340C>G, p.Arg114Gly (NM_001306129.2, NM_001306130.2, NM_001306131.2 and 14 more transcripts); short protein forms R114G.
Identifiers: ClinVar variation 2429324 (VCV002429324.4), dbSNP rs2066876870, ClinGen allele CA350478810.